The following is an entry in ClinVar:

NM_000535.7(PMS2):c.1009A>G (p.Thr337Ala)

Gene: PMS2 (PMS1 homolog 2, mismatch repair system component; minus strand). Cytogenetic location: 7p22.1.
Variant type: single nucleotide variant.
Coding change: c.1009A>G on transcript NM_000535.7 (MANE Select); coding-DNA position 1009, A replaced by G.
Protein change: p.Thr337Ala; replaces threonine 337 with alanine.
Molecular consequence: missense variant. On other transcripts: non-coding transcript variant (1), intron variant (10).
Genome position (GRCh38, 1-based): chr7:5,989,935, T>C on the plus strand (A>G on the coding strand, the complement: PMS2 is on the minus strand). VCF-style: chr7-5989935-T-C. GRCh37 (hg19) VCF-style: chr7-6029566-T-C.
Other names: c.604A>G, p.Thr202Ala (NM_001406896.1, NM_001406897.1, NM_001406898.1 and 17 more transcripts); c.691A>G, p.Thr231Ala (NM_001406903.1, NM_001322007.2, NM_001322008.2 and 2 more transcripts); c.496A>G, p.Thr166Ala (NM_001406904.1, NM_001406905.1); c.238A>G, p.Thr80Ala (NM_001406911.1); c.436A>G, p.Thr146Ala (NM_001406909.1, NM_001322013.2); c.583+2038A>G (NM_001322010.2, NM_001406906.1, NM_001406907.1); c.76A>G, p.Thr26Ala (NM_001322011.2, NM_001322012.2); c.1009A>G, p.Thr337Ala (NM_001322014.2, NM_001406871.1, NM_001406872.1); and 13 more; short protein forms T146A, T337A, T345A, T215A, T271A, T281A, T301A, T399A.
Identifiers: ClinVar variation 2774138 (VCV002774138.5), dbSNP rs2535939962, ClinGen allele CA366742999.

ClinVar aggregate classification (germline): Uncertain significance. Review status: criteria provided, multiple submitters, no conflicts (2 of 4 stars). 3 submissions from 3 submitters: Uncertain significance (3). Last evaluated 2024-04-12.

Conditions:
Hereditary nonpolyposis colorectal neoplasms. Identifiers: MedGen C0009405, MeSH D003123.
Hereditary cancer-predisposing syndrome. Also called: Hereditary neoplastic syndrome; Hereditary Cancer Syndrome; Neoplastic Syndromes, Hereditary; Tumor predisposition. Identifiers: Orphanet 140162, MedGen C0027672, MeSH D009386, MONDO:0015356.

Submissions (3):

Labcorp Genetics (formerly Invitae), Labcorp
Classification: Uncertain significance for Hereditary nonpolyposis colorectal neoplasms. Last evaluated: 2024-04-12. Review status: criteria provided, single submitter. Criteria: Invitae Variant Classification Sherloc (09022015). Collection method: clinical testing. Allele origin: germline.
Comment: This sequence change replaces threonine, which is neutral and polar, with alanine, which is neutral and non-polar, at codon 337 of the PMS2 protein (p.Thr337Ala). This variant is not present in population databases (gnomAD no frequency). This variant has not been reported in the literature in individuals affected with PMS2-related conditions. Advanced modeling of protein sequence and biophysical properties (such as structural, functional, and spatial information, amino acid conservation, physicochemical variation, residue mobility, and thermodynamic stability) performed at Invitae indicates that this missense variant is expected to disrupt PMS2 protein function with a positive predictive value of 80%. In summary, the available evidence is currently insufficient to determine the role of this variant in disease. Therefore, it has been classified as a Variant of Uncertain Significance.

Ambry Genetics
Classification: Uncertain significance for Hereditary cancer-predisposing syndrome. Last evaluated: 2024-04-09. Review status: criteria provided, single submitter. Criteria: Ambry Variant Classification Scheme 2023. Collection method: clinical testing. Allele origin: germline.
Comment: The p.T337A variant (also known as c.1009A>G), located in coding exon 10 of the PMS2 gene, results from an A to G substitution at nucleotide position 1009. The threonine at codon 337 is replaced by alanine, an amino acid with similar properties. This amino acid position is highly conserved in available vertebrate species. In addition, this alteration is predicted to be deleterious by in silico analysis. Based on the available evidence, the clinical significance of this variant remains unclear.

Color Diagnostics, LLC DBA Color Health
Classification: Uncertain significance for Hereditary cancer-predisposing syndrome. Last evaluated: 2021-12-14. Review status: criteria provided, single submitter. Criteria: ACMG Guidelines, 2015. Collection method: clinical testing. Allele origin: germline.
Comment: This missense variant replaces threonine with alanine at codon 337 of the PMS2 protein. Computational prediction suggests that this variant may have deleterious impact on protein structure and function (internally defined REVEL score threshold >= 0.7, PMID: 27666373). To our knowledge, functional studies have not been reported for this variant. This variant has not been reported in individuals affected with hereditary cancer in the literature. This variant has not been identified in the general population by the Genome Aggregation Database (gnomAD). The available evidence is insufficient to determine the role of this variant in disease conclusively. Therefore, this variant is classified as a Variant of Uncertain Significance.